The following is an entry in ClinVar:

NM_001358530.2(MOCS1):c.455G>T (p.Gly152Val)

Gene: MOCS1 (molybdenum cofactor synthesis 1; minus strand). Cytogenetic location: 6p21.2.
Variant type: single nucleotide variant.
Coding change: c.455G>T on transcript NM_001358530.2 (MANE Select); coding-DNA position 455, G replaced by T.
Protein change: p.Gly152Val; replaces glycine 152 with valine.
Molecular consequence: missense variant. On other transcripts: non-coding transcript variant (1).
Genome position (GRCh38, 1-based): chr6:39,916,196, C>A on the plus strand (G>T on the coding strand, the complement: MOCS1 is on the minus strand). VCF-style: chr6-39916196-C-A. GRCh37 (hg19) VCF-style: chr6-39883940-C-A.
Other names: c.455G>T, p.Gly152Val (NM_001075098.4, NM_001358529.2, NM_005943.6); c.194G>T, p.Gly65Val (NM_001358531.2, NM_001358533.2, NM_001358534.2); c.455G>T (NM_005943.5); short protein forms G152V, G65V.
Identifiers: ClinVar variation 1358481 (VCV001358481.6), dbSNP rs116035280, ClinGen allele CA364044531.

ClinVar aggregate classification (germline): Uncertain significance. Review status: criteria provided, multiple submitters, no conflicts (2 of 4 stars). 2 submissions from 2 submitters: Uncertain significance (2). Last evaluated 2024-04-08.

Conditions:
Sulfite oxidase deficiency due to molybdenum cofactor deficiency type A. Also called: Molybdenum cofactor deficiency, complementation group A; Molybdenum Cofactor Deficiency A. Identifiers: Orphanet 308386, Orphanet 833, MedGen C1854988, MONDO:0009643, OMIM 252150.

Submissions (2):

Fulgent Genetics
Classification: Uncertain significance for Sulfite oxidase deficiency due to molybdenum cofactor deficiency type A. Last evaluated: 2024-04-08. Review status: criteria provided, single submitter. Criteria: ACMG Guidelines, 2015. Collection method: clinical testing. Allele origin: germline.

Labcorp Genetics (formerly Invitae), Labcorp
Classification: Uncertain significance for Sulfite oxidase deficiency due to molybdenum cofactor deficiency type A. Last evaluated: 2022-07-05. Review status: criteria provided, single submitter. Criteria: Invitae Variant Classification Sherloc (09022015). Collection method: clinical testing. Allele origin: germline.
Comment: This sequence change replaces glycine, which is neutral and non-polar, with valine, which is neutral and non-polar, at codon 152 of the MOCS1 protein (p.Gly152Val). This variant is not present in population databases (gnomAD no frequency). This variant has not been reported in the literature in individuals affected with MOCS1-related conditions. ClinVar contains an entry for this variant (Variation ID: 1358481). Algorithms developed to predict the effect of missense changes on protein structure and function are either unavailable or do not agree on the potential impact of this missense change (SIFT: "Deleterious"; PolyPhen-2: "Probably Damaging"; Align-GVGD: "Class C15"). In summary, the available evidence is currently insufficient to determine the role of this variant in disease. Therefore, it has been classified as a Variant of Uncertain Significance.